The following is an entry in ClinVar:

NM_001378454.1(ALMS1):c.11170C>T (p.Gln3724Ter)

Gene: ALMS1 (ALMS1 centrosome and basal body associated protein; plus strand). Cytogenetic location: 2p13.1.
Variant type: single nucleotide variant.
Coding change: c.11170C>T on transcript NM_001378454.1 (MANE Select); coding-DNA position 11170, C replaced by T.
Protein change: p.Gln3724Ter; replaces glutamine 3724 with a stop codon.
Molecular consequence: nonsense.
Genome position (GRCh38, 1-based): chr2:73,573,047, C>T. VCF-style: chr2-73573047-C-T. GRCh37 (hg19) VCF-style: chr2-73800174-C-T.
Other names: c.11173C>T, p.Gln3725Ter (NM_015120.4); short protein forms Q3725*, Q3724*.
Identifiers: ClinVar variation 2095825 (VCV002095825.4), dbSNP rs1385395822, ClinGen allele CA347287803.

ClinVar aggregate classification (germline): Pathogenic (1 of 4 stars; one submission).

Conditions:
Alstrom syndrome (ALMS). Identifiers: Orphanet 64, MedGen C0268425, MONDO:0008763, OMIM 203800.

Submission:

Labcorp Genetics (formerly Invitae), Labcorp
Classification: Pathogenic for Alstrom syndrome. Last evaluated: 2022-02-09. Review status: criteria provided, single submitter. Criteria: Invitae Variant Classification Sherloc (09022015). Collection method: clinical testing. Allele origin: germline.
Comment: For these reasons, this variant has been classified as Pathogenic. This variant has not been reported in the literature in individuals affected with ALMS1-related conditions. This variant is not present in population databases (gnomAD no frequency). This sequence change creates a premature translational stop signal (p.Gln3725*) in the ALMS1 gene. It is expected to result in an absent or disrupted protein product. Loss-of-function variants in ALMS1 are known to be pathogenic (PMID: 17594715).

Literature cited by the submitters: PubMed 17594715.